The following is an entry in ClinVar:

ClinVar aggregate classification (germline): Uncertain significance (1 of 4 stars; one submission).

Allele frequency attached by ClinVar (database versions not stated): TOPMed below 0.00001.
gnomAD v4.1: 2 of 1,537,092 alleles (0.00013%); highest among the groups gnomAD compares: African/African-American, 0.0014%; no homozygotes.

Submission:

Labcorp Genetics (formerly Invitae), Labcorp
Classification: Uncertain significance. Last evaluated: 2023-03-08. Review status: criteria provided, single submitter. Criteria: Invitae Variant Classification Sherloc (09022015). Collection method: clinical testing. Allele origin: germline.
Comment: In summary, the available evidence is currently insufficient to determine the role of this variant in disease. Therefore, it has been classified as a Variant of Uncertain Significance. Advanced modeling of protein sequence and biophysical properties (such as structural, functional, and spatial information, amino acid conservation, physicochemical variation, residue mobility, and thermodynamic stability) performed at Invitae indicates that this missense variant is not expected to disrupt PIEZO2 protein function. This variant has not been reported in the literature in individuals affected with PIEZO2-related conditions. This variant is not present in population databases (gnomAD no frequency). This sequence change replaces glutamic acid, which is acidic and polar, with aspartic acid, which is acidic and polar, at codon 4 of the PIEZO2 protein (p.Glu4Asp).

NM_001378183.1(PIEZO2):c.12A>T (p.Glu4Asp)

Gene: PIEZO2 (piezo type mechanosensitive ion channel component 2; minus strand). Cytogenetic location: 18p11.21.
Variant type: single nucleotide variant.
Coding change: c.12A>T on transcript NM_001378183.1 (MANE Select); coding-DNA position 12, A replaced by T.
Protein change: p.Glu4Asp; replaces glutamic acid 4 with aspartic acid.
Molecular consequence: missense variant.
Genome position (GRCh38, 1-based): chr18:11,148,577, T>A on the plus strand (A>T on the coding strand, the complement: PIEZO2 is on the minus strand). VCF-style: chr18-11148577-T-A. GRCh37 (hg19) VCF-style: chr18-11148576-T-A.
Other names: c.12A>T, p.Glu4Asp (NM_001410871.1, NM_022068.4); short protein forms E4D.
Identifiers: ClinVar variation 2982916 (VCV002982916.3), dbSNP rs2040869213, ClinGen allele CA402030476.
Genomic context (GRCh38, chr18:11,148,577, plus strand): 5'-AGACTCACCTACTGCCAGGCAGATGGGCAGCAGCAGCCTGAAGATGAGCCCGCACACCAC[T>A]TCTGAGGCCATCGCGTCGGTCCGGCGAGTCGGAGCAGAGGGGCGAGGCTCGAGGGTCCCT-3'
Protein context (NP_001365112.1, residues 1-14): MAS[Glu4Asp]VVCGLIFRLL